The following is an entry in ClinVar:

NM_001323289.2(CDKL5):c.464-40_464-37del

Gene: CDKL5 (cyclin dependent kinase like 5; plus strand). Cytogenetic location: Xp22.13.
Variant type: Deletion.
Coding change: c.464-40_464-37del on transcript NM_001323289.2 (MANE Select); 40 bases into the intron before coding-DNA position 464 through 37 bases into the intron before coding-DNA position 464, 4 bases deleted (CTTT; older notation c.464-40_464-37delCTTT).
Molecular consequence: intron variant.
Genome position (GRCh38, 1-based): chrX:18,584,223-18,584,226, CTTT deleted; deleting any 4 consecutive bases within chrX:18,584,220-18,584,226 gives the same sequence; the c. name uses the placement nearest the transcript's 3' end. VCF-style (leftmost placement, unchanged base first): chrX-18584219-ATTTC-A. GRCh37 (hg19) VCF-style: chrX-18602339-ATTTC-A.
Other names: c.464-40_464-37del (NM_003159.3, NM_001037343.2); c.464-40_464-37delCTTT (NM_003159.2).
Identifiers: ClinVar variation 156091 (VCV000156091.4), dbSNP rs267608481, ClinGen allele CA199363.

ClinVar aggregate classification (germline): Likely benign. Review status: criteria provided, single submitter (1 of 4 stars). 3 submissions from 2 submitters: Likely benign (1). 2 of the submissions do not count toward it. Last evaluated 2024-09-02.

Conditions:
CDKL5 disorder. Identifiers: MedGen CN296942, MONDO:0100039.

Submissions (3):

Centre for Population Genomics, CPG
Classification: Likely benign for CDKL5 disorder. Last evaluated: 2024-09-02. Review status: criteria provided, single submitter. Criteria: McKnight et al. (Hum Mutat. 2022). Collection method: curation. Allele origin: germline. Inheritance: X-linked inheritance.
Comment: This variant has been collected from RettBASE and curated to current modified ACMG/AMP criteria. Based on the classification scheme defined by the ClinGen Rett/Angelman-like Expert Panel for Rett/AS-like Disorders Specifications to the ACMG/AMP Variant Interpretation Guidelines VCEP 3.0, this variant is classified as likely benign. At least the following criteria are met: Synonymous or intronic variant outside donor and acceptor splice regions where splicing prediction algorithms do not support significant splicing alteration (spliceAI score <=0.1) (BP4, BP7).

RettBASE
Classification: Likely benign. Last evaluated: 2014-03-13. Review status: no assertion criteria provided. Collection method: curation. Allele origin: unknown. Observed: 1 variant allele. Not counted in ClinVar's aggregate classification.
Comment: Unlikely to be pathogenic, not predicted to change splicing; however, there is no empirical evidence for this

RettBASE
No classification provided. Review status: flagged submission. Collection method: not provided. Allele origin: not provided. Not counted in ClinVar's aggregate classification.
ClinVar note: Reason: This record appears to be redundant with a more recent record from the same submitter.
ClinVar note: Notes: SCV000189215 appears to be redundant with SCV000222284.

Literature cited by the submitters: PubMed 16015284 (cited by RettBASE).